The following is an entry in ClinVar:

NM_000540.3(RYR1):c.165+1G>T

Gene: RYR1 (ryanodine receptor 1; plus strand). Cytogenetic location: 19q13.2.
Variant type: single nucleotide variant.
Coding change: c.165+1G>T on transcript NM_000540.3 (MANE Select); the canonical splice donor site of the intron after coding-DNA position 165, G replaced by T.
Molecular consequence: splice donor variant.
Genome position (GRCh38, 1-based): chr19:38,440,865, G>T. VCF-style: chr19-38440865-G-T. GRCh37 (hg19) VCF-style: chr19-38931505-G-T.
Other names: c.165+1G>T (NM_001042723.2).
Identifiers: ClinVar variation 3236857 (VCV003236857.2), dbSNP rs1388577237.

ClinVar aggregate classification (germline): Conflicting classifications of pathogenicity. Review status: criteria provided, conflicting classifications (1 of 4 stars). 2 submissions from 2 submitters: Likely pathogenic (1); Uncertain significance (1). Last evaluated 2024-03-05.

Conditions:
Congenital multicore myopathy with external ophthalmoplegia (CMYO1B). Also called: Minicore myopathy with external ophthalmoplegia; MULTICORE MYOPATHY; MULTIMINICORE DISEASE WITH EXTERNAL OPHTHALMOPLEGIA; Congenital myopathy 1B, autosomal recessive; Minicore myopathy. Identifiers: Orphanet 598, Orphanet 98905, MedGen C1850674, MONDO:0009712, OMIM 255320, HP:0003789.
Malignant hyperthermia, susceptibility to, 1 (MHS1). Also called: Anesthesia related hyperthermia; Malignant hyperpyrexia; Fulminating hyperpyrexia; Pharmacogenic myopathy; Malignant hyperthermia suceptibility 1; RYR1-Related Malignant Hyperthermia Susceptibility. Identifiers: Orphanet 423, MedGen C2930980, MONDO:0007783, OMIM 145600.

Allele frequency attached by ClinVar (database versions not stated): gnomAD exomes below 0.00001.
gnomAD v4.1: 1 of 1,612,056 alleles (0.000062%); highest among the groups gnomAD compares: African/African-American, 0.0013%; no homozygotes.

Submissions (2):

All of Us Research Program, National Institutes of Health
Classification: Uncertain significance for Malignant hyperthermia, susceptibility to, 1. Last evaluated: 2024-03-05. Review status: criteria provided, single submitter. Criteria: ACMG Guidelines, 2015. Collection method: clinical testing. Allele origin: germline. Inheritance: Autosomal dominant inheritance. Observed: 1 variant allele, 1 heterozygote.
Comment: This study involves interpretation of variants in research participants for the purpose of population health screening. Participant phenotype was not available at the time of variant classification. Additional details can be found in publication PMID: 35346344, PMCID: PMC8962531

Human Genome Sequencing Center Clinical Lab, Baylor College of Medicine
Classification: Likely pathogenic for Congenital multicore myopathy with external ophthalmoplegia. Last evaluated: 2023-11-09. Review status: criteria provided, single submitter. Criteria: ACMG Guidelines, 2015. Collection method: clinical testing. Allele origin: unknown.